The following is an entry in ClinVar:

NM_001272046.2(VWA2):c.1924G>A (p.Gly642Arg)

Genes: AFAP1L2 (actin filament associated protein 1 like 2; minus strand), VWA2 (von Willebrand factor A domain containing 2; plus strand). Cytogenetic location: 10q25.3.
Variant type: single nucleotide variant.
Coding change: c.1924G>A on transcript NM_001272046.2 (MANE Select); coding-DNA position 1924, G replaced by A.
Protein change: p.Gly642Arg; replaces glycine 642 with arginine.
Molecular consequence: missense variant.
Genome position (GRCh38, 1-based): chr10:114,289,291, G>A. VCF-style: chr10-114289291-G-A. GRCh37 (hg19) VCF-style: chr10-116049050-G-A.
Other names: c.1924G>A, p.Gly642Arg (NM_001320804.1); short protein forms G642R.
Identifiers: ClinVar variation 3039596 (VCV003039596.2), dbSNP rs10082357, ClinGen allele CA5700820.
Genomic context (GRCh38, chr10:114,289,291, plus strand): 5'-ATGACCGTCCAGAGGGGTGCCCGGCCTGGTGTCCCCAAAGCTGTGGTGGTGCTCACAGGC[G>A]GGAGAGGCGCAGAGGATGCAGCCGTTCCTGCCCAGAAGCTGAGGAACAATGGCATCTCTG-3'
Protein context (NP_001258975.1, residues 632-652): VPKAVVVLTG[Gly642Arg]RGAEDAAVPA

ClinVar aggregate classification (germline): Benign (0 of 4 stars; one submission).

Conditions:
VWA2-related disorder. Also called: VWA2-related condition.

Allele frequency attached by ClinVar (database versions not stated): gnomAD exomes 0.00057; ExAC 0.00221; ESP Exome Variant Server 0.00607; gnomAD 0.00619; TOPMed 0.00697; 1000 Genomes Project 0.00699; 1000 Genomes Project 30x 0.00703.
gnomAD v4.1: 1,819 of 1,614,052 alleles (0.11%); highest among the groups gnomAD compares: African/African-American, 2.1%; 15 homozygotes.

Submission:

PreventionGenetics, part of Exact Sciences
Classification: Benign for VWA2-related condition. Last evaluated: 2019-03-25. Review status: no assertion criteria provided. Collection method: clinical testing. Allele origin: germline.
Comment: This variant is classified as benign based on ACMG/AMP sequence variant interpretation guidelines (Richards et al. 2015 PMID: 25741868, with internal and published modifications).